The following is an entry in ClinVar:

NM_000208.4(INSR):c.2320G>A (p.Val774Met)

Gene: INSR (insulin receptor; minus strand). Cytogenetic location: 19p13.2.
Variant type: single nucleotide variant.
Coding change: c.2320G>A on transcript NM_000208.4 (MANE Select); coding-DNA position 2320, G replaced by A.
Protein change: p.Val774Met; replaces valine 774 with methionine.
Molecular consequence: missense variant.
Genome position (GRCh38, 1-based): chr19:7,143,038, C>T on the plus strand (G>A on the coding strand, the complement: INSR is on the minus strand). VCF-style: chr19-7143038-C-T. GRCh37 (hg19) VCF-style: chr19-7143049-C-T.
Other names: c.2320G>A (NM_000208.2); c.2284G>A, p.Val762Met (NM_001079817.3); short protein forms V762M, V774M.
Identifiers: ClinVar variation 2715332 (VCV002715332.4), dbSNP rs777271464, ClinGen allele CA9135577.
Genomic context (GRCh38, chr19:7,143,038, plus strand): 5'-CCTCCGGACTCGTGGGCACGCTGGTCGAGGAAGTGTTGGGGAAAGCTGCCACCGTGGGCA[C>T]GGCCACCGTCACATTCCCAACATCGCCAAGGGACCTGCGTTTCCGAGATGGCCTGGAACG-3'
Protein context (NP_000199.2, residues 764-784): LGDVGNVTVA[Val774Met]PTVAAFPNTS

ClinVar aggregate classification (germline): Uncertain significance. Review status: criteria provided, multiple submitters, no conflicts (2 of 4 stars). 2 submissions from 2 submitters: Uncertain significance (2). Last evaluated 2024-04-26.

Conditions:
Inborn genetic diseases. Identifiers: MedGen C0950123, MeSH D030342.

Allele frequency attached by ClinVar (database versions not stated): ExAC 0.00007.
gnomAD v4.1: 54 of 1,614,096 alleles (0.0033%); highest among the groups gnomAD compares: African/African-American, 0.011%; no homozygotes.

Submissions (2):

Ambry Genetics
Classification: Uncertain significance for Inborn genetic diseases. Last evaluated: 2024-04-26. Review status: criteria provided, single submitter. Criteria: Ambry Variant Classification Scheme 2023. Collection method: clinical testing. Allele origin: germline.

Labcorp Genetics (formerly Invitae), Labcorp
Classification: Uncertain significance. Last evaluated: 2023-11-27. Review status: criteria provided, single submitter. Criteria: Invitae Variant Classification Sherloc (09022015). Collection method: clinical testing. Allele origin: germline.
Comment: This sequence change replaces valine, which is neutral and non-polar, with methionine, which is neutral and non-polar, at codon 774 of the INSR protein (p.Val774Met). This variant is present in population databases (rs777271464, gnomAD 0.01%). This variant has not been reported in the literature in individuals affected with INSR-related conditions. Advanced modeling of protein sequence and biophysical properties (such as structural, functional, and spatial information, amino acid conservation, physicochemical variation, residue mobility, and thermodynamic stability) performed at Invitae indicates that this missense variant is not expected to disrupt INSR protein function with a negative predictive value of 80%. In summary, the available evidence is currently insufficient to determine the role of this variant in disease. Therefore, it has been classified as a Variant of Uncertain Significance.